The following is an entry in ClinVar:

NM_033109.5(PNPT1):c.622G>C (p.Glu208Gln)

Gene: PNPT1 (polyribonucleotide nucleotidyltransferase 1; minus strand). Cytogenetic location: 2p16.1.
Variant type: single nucleotide variant.
Coding change: c.622G>C on transcript NM_033109.5 (MANE Select); coding-DNA position 622, G replaced by C.
Protein change: p.Glu208Gln; replaces glutamic acid 208 with glutamine.
Molecular consequence: missense variant.
Genome position (GRCh38, 1-based): chr2:55,679,739, C>G on the plus strand (G>C on the coding strand, the complement: PNPT1 is on the minus strand). VCF-style: chr2-55679739-C-G. GRCh37 (hg19) VCF-style: chr2-55906874-C-G.
Other names: short protein forms E208Q.
Identifiers: ClinVar variation 1347156 (VCV001347156.8), dbSNP rs1226592011, ClinGen allele CA346937438.

ClinVar aggregate classification (germline): Uncertain significance (1 of 4 stars; one submission).

Allele frequency attached by ClinVar (database versions not stated): gnomAD exomes 0.00001.
gnomAD v4.1: 4 of 1,612,670 alleles (0.00025%); highest among the groups gnomAD compares: Non-Finnish European, 0.00034%; no homozygotes.

Submission:

Labcorp Genetics (formerly Invitae), Labcorp
Classification: Uncertain significance. Last evaluated: 2021-04-21. Review status: criteria provided, single submitter. Criteria: Invitae Variant Classification Sherloc (09022015). Collection method: clinical testing. Allele origin: germline.
Comment: This sequence change replaces glutamic acid with glutamine at codon 208 of the PNPT1 protein (p.Glu208Gln). The glutamic acid residue is highly conserved and there is a small physicochemical difference between glutamic acid and glutamine. This variant is not present in population databases (ExAC no frequency). This variant has not been reported in the literature in individuals with PNPT1-related conditions. Algorithms developed to predict the effect of missense changes on protein structure and function (SIFT, PolyPhen-2, Align-GVGD) all suggest that this variant is likely to be tolerated, but these predictions have not been confirmed by published functional studies and their clinical significance is uncertain. In summary, the available evidence is currently insufficient to determine the role of this variant in disease. Therefore, it has been classified as a Variant of Uncertain Significance.